The following is an entry in ClinVar:

NM_001046.3(SLC12A2):c.1117G>A (p.Ala373Thr)

Gene: SLC12A2 (solute carrier family 12 member 2; plus strand). Cytogenetic location: 5q23.3.
Variant type: single nucleotide variant.
Coding change: c.1117G>A on transcript NM_001046.3 (MANE Select); coding-DNA position 1117, G replaced by A.
Protein change: p.Ala373Thr; replaces alanine 373 with threonine.
Molecular consequence: missense variant. On other transcripts: non-coding transcript variant (1).
Genome position (GRCh38, 1-based): chr5:128,131,135, G>A. VCF-style: chr5-128131135-G-A. GRCh37 (hg19) VCF-style: chr5-127466827-G-A.
Other names: c.1117G>A, p.Ala373Thr (NM_001256461.2); short protein forms A373T.
Identifiers: ClinVar variation 4989128 (VCV004989128.1).

ClinVar aggregate classification (germline): Uncertain significance (1 of 4 stars; one submission).

Conditions:
SLC12A2-related disorder. Also called: SLC12A2-related disorders; SLC12A2-related condition.

gnomAD v4.1: 5 of 1,613,918 alleles (0.00031%); highest among the groups gnomAD compares: Non-Finnish European, 0.00034%; no homozygotes.

Submission:

PreventionGenetics, part of Exact Sciences
Classification: Uncertain significance for SLC12A2-related condition. Last evaluated: 2026-07-20. Review status: criteria provided, single submitter. Criteria: ACMG Guidelines, 2015. Collection method: clinical testing. Allele origin: germline.
Comment: The SLC12A2 c.1117G>A variant is predicted to result in the amino acid substitution p.Ala373Thr. To our knowledge, this variant has not been reported in the literature. This variant is reported in 0.00088% of alleles in individuals of European (Non-Finnish) descent in gnomAD. At this time, the clinical significance of this variant is uncertain due to the absence of conclusive functional and genetic evidence.